The following is an entry in ClinVar:

ClinVar aggregate classification (germline): Uncertain significance (1 of 4 stars; one submission).

Conditions:
Intellectual disability, autosomal dominant 14 (CSS2). Also called: COFFIN-SIRIS SYNDROME 2. Identifiers: Orphanet 1465, MedGen C3553247, MONDO:0013819, OMIM 614607.

Submission:

New York Genome Center
Classification: Uncertain significance for Intellectual disability, autosomal dominant 14. Last evaluated: 2022-08-01. Review status: criteria provided, single submitter. Criteria: NYGC Assertion Criteria 2020. Collection method: clinical testing. Allele origin: de novo. Observed: 1 heterozygote. Study: CSER-NYCKidSeq.
Comment: The c.5104A>G p.Met1702Val apparently de novo missense variant in ARID1A, has not been reported in affected individuals in the available literature. This variant is not found in gnomAD indicating it is not a common benign variant in the populations represented in this database. In silico predictors suggest this variant is Neutral (Provean; score: -1.05) and Tolerated (SIFT; score: 0.359). So far, the reported ARID1A mutations in affected individuals are loss of function alleles and to best of our knowledge, ARID1A missense variants have not been reported in patients diagnosed with Coffin Siris syndrome [PMID: 30123105, PMID: 29351919, PMID: 25168959]. Given the available evidence regarding its pathogenicity, the c.5104A>G (p.Met1702Val) variant identified in the ARID1A gene is reported here as a Variant of Uncertain Significance.

NM_006015.6(ARID1A):c.5104A>G (p.Met1702Val)

Gene: ARID1A (AT-rich interaction domain 1A; plus strand). Cytogenetic location: 1p36.11.
Variant type: single nucleotide variant.
Coding change: c.5104A>G on transcript NM_006015.6 (MANE Select); coding-DNA position 5104, A replaced by G.
Protein change: p.Met1702Val; replaces methionine 1702 with valine.
Molecular consequence: missense variant.
Genome position (GRCh38, 1-based): chr1:26,775,687, A>G. VCF-style: chr1-26775687-A-G. GRCh37 (hg19) VCF-style: chr1-27102178-A-G.
Other names: c.4453A>G, p.Met1485Val (NM_139135.4); short protein forms M1485V, M1702V.
Identifiers: ClinVar variation 978170 (VCV000978170.2), dbSNP rs2081128316, ClinGen allele CA339182330.